The following is an entry in ClinVar:

ClinVar aggregate classification (germline): Pathogenic. Review status: criteria provided, multiple submitters, no conflicts (2 of 4 stars). 2 submissions from 2 submitters: Pathogenic (2). Last evaluated 2025-05-21.

Conditions:
Diastrophic dysplasia (DTD). Also called: Diastrophic dwarfism. Identifiers: Orphanet 628, MedGen C0220726, MONDO:0009107, OMIM 222600.
Atelosteogenesis type II (AO2). Also called: NEONATAL OSSEOUS DYSPLASIA I; Neonatal osseous dysplasia 1; SLC26A2-Related Atelosteogenesis. Identifiers: Orphanet 56304, MedGen C1850554, MONDO:0009727, OMIM 256050.
Multiple epiphyseal dysplasia type 4 (EDM4). Also called: Multiple Epiphyseal Dysplasia, Recessive; MULTIPLE EPIPHYSEAL DYSPLASIA WITH BILAYERED PATELLAE; MULTIPLE EPIPHYSEAL DYSPLASIA WITH CLUBFOOT; MULTIPLE EPIPHYSEAL DYSPLASIA, AUTOSOMAL RECESSIVE; SLC26A2-Related Multiple Epiphyseal Dysplasia. Identifiers: Orphanet 93307, MedGen C1847593, MONDO:0009189, OMIM 226900.
Achondrogenesis, type IB (ACG1B). Also called: Achondrogenesis Type 1B. Identifiers: Orphanet 932, Orphanet 93298, MedGen C0265274, MONDO:0010966, OMIM 600972.
SLC26A2-related skeletal dysplasia. Identifiers: MedGen CN379209, MONDO:0100592.

Submissions (2):

Myriad Genetics, Inc.
Classification: Pathogenic for SLC26A2-related skeletal dysplasia. Last evaluated: 2025-05-21. Review status: criteria provided, single submitter. Criteria: Myriad Autosomal Dominant, Autosomal Recessive and X-Linked Classification Criteria (2023). Collection method: clinical testing. Allele origin: unknown.
Comment: NM_000112.3(SLC26A2):c.218delA(K73Sfs*16) is a frameshift variant classified as pathogenic in the context of SLC26A2-related disorders. K73Sfs*16 has not been observed in cases with relevant disease. Relevant functional assessments of this variant are not available in the literature. K73Sfs*16 has not been observed in referenced population frequency databases. In summary, NM_000112.3(SLC26A2):c.218delA(K73Sfs*16) is a frameshift variant in a gene where loss of function is a known mechanism of disease and is predicted to disrupt protein function. Please note: this variant was assessed in the context of healthy population screening.

Labcorp Genetics (formerly Invitae), Labcorp
Classification: Pathogenic for Atelosteogenesis type II; Multiple epiphyseal dysplasia type 4; Achondrogenesis, type IB; Diastrophic dysplasia. Last evaluated: 2021-05-04. Review status: criteria provided, single submitter. Criteria: Invitae Variant Classification Sherloc (09022015). Collection method: clinical testing. Allele origin: germline.
Comment: This variant has not been reported in the literature in individuals with SLC26A2-related conditions. This sequence change creates a premature translational stop signal (p.Lys73Serfs*16) in the SLC26A2 gene. It is expected to result in an absent or disrupted protein product. Loss-of-function variants in SLC26A2 are known to be pathogenic (PMID: 7923357, 10482955, 11241838). This variant is not present in population databases (ExAC no frequency). For these reasons, this variant has been classified as Pathogenic.

Literature cited by the submitters: PubMed 7923357 (cited by Labcorp Genetics (formerly Invitae), Labcorp); PubMed 10482955 (cited by Labcorp Genetics (formerly Invitae), Labcorp); PubMed 11241838 (cited by Labcorp Genetics (formerly Invitae), Labcorp).

NM_000112.4(SLC26A2):c.218del (p.Lys73fs)

Gene: SLC26A2 (solute carrier family 26 member 2; plus strand). Cytogenetic location: 5q32.
Variant type: Deletion.
Coding change: c.218del on transcript NM_000112.4 (MANE Select); coding-DNA position 218, one base deleted (A; older notation c.218delA).
Protein change: p.Lys73fs; shifts the reading frame from lysine 73.
Molecular consequence: frameshift variant.
Genome position (GRCh38, 1-based): chr5:149,977,870, A deleted; the last of 5 consecutive A bases (chr5:149,977,866-149,977,870); deleting any one gives the same sequence. VCF-style (leftmost placement, unchanged base first): chr5-149977865-TA-T. GRCh37 (hg19) VCF-style: chr5-149357428-TA-T.
Other names: short protein forms K73fs.
Identifiers: ClinVar variation 1453606 (VCV001453606.7), dbSNP rs2113695746, ClinGen allele CA2573139273.